The following is an entry in ClinVar:

ClinVar aggregate classification (germline): Benign. Review status: criteria provided, multiple submitters, no conflicts (2 of 4 stars). 12 submissions from 12 submitters: Benign (9). 3 of the submissions do not count toward it. Last evaluated 2025-03-27.

Conditions:
Autosomal dominant polycystic kidney disease. Identifiers: Orphanet 730, MedGen C0085413, MONDO:0004691.
Polycystic kidney disease, adult type (PKD1). Also called: Polycystic Kidney, Autosomal Dominant; Polycystic Kidney Disease 1, Autosomal Dominant; Polycystic kidney disease 1; Polycystic kidney disease 1, severe; POLYCYSTIC KIDNEY DISEASE 1 WITH OR WITHOUT POLYCYSTIC LIVER DISEASE; POLYCYSTIC KIDNEY DISEASE, ADULT, TYPE I. Identifiers: MedGen C3149841, MONDO:0008263, OMIM 173900.
Polycystic kidney disease. Also called: Polycystic kidney dysplasia; Kidney, Polycystic. Identifiers: MedGen C0022680, MeSH D007690, MONDO:0020642, HP:0000113.

Allele frequency attached by ClinVar (database versions not stated): 1000 Genomes Project 0.02596; ExAC 0.02726; 1000 Genomes Project 30x 0.02748; gnomAD 0.03868 and 0.03937; TOPMed 0.03942; gnomAD exomes 0.04407 and 0.04928.
gnomAD v4.1: 66,476 of 1,538,560 alleles (4.3%); highest among the groups gnomAD compares: Admixed American, 11%; 1,555 homozygotes.

Submissions (12):

Women's Health and Genetics/Laboratory Corporation of America, LabCorp
Classification: Benign. Last evaluated: 2025-03-27. Review status: criteria provided, single submitter. Criteria: LabCorp Variant Classification Summary - May 2015. Collection method: clinical testing. Allele origin: germline.

Blueprint Genetics
Classification: Benign. Last evaluated: 2024-11-27. Review status: criteria provided, single submitter. Criteria: ACMG Guidelines, 2015. Collection method: clinical testing. Allele origin: germline.

Mayo Clinic Laboratories, Mayo Clinic
Classification: Benign. Last evaluated: 2022-03-09. Review status: criteria provided, single submitter. Criteria: ACMG Guidelines, 2015. Collection method: clinical testing. Allele origin: germline. Observed: 86 variant alleles.

ARUP Laboratories, Molecular Genetics and Genomics, ARUP Laboratories
Classification: Benign for Polycystic kidney disease, adult type. Last evaluated: 2020-05-11. Review status: criteria provided, single submitter. Criteria: ARUP Molecular Germline Variant Investigation Process. Collection method: clinical testing. Allele origin: germline.

GeneDx
Classification: Benign. Last evaluated: 2019-09-25. Review status: criteria provided, single submitter. Criteria: GeneDx Variant Classification Process June 2021. Collection method: clinical testing. Allele origin: germline. Affected: yes.

Molecular Genetics of Inherited Kidney Disorders Laboratory, Garvan Institute of Medical Research
Classification: Benign for Autosomal dominant polycystic kidney disease. Last evaluated: 2019-01-01. Review status: criteria provided, single submitter. Criteria: ACMG Guidelines, 2015. Collection method: research. Allele origin: germline. Affected: yes.

Athena Diagnostics
Classification: Benign for Polycystic kidney disease, adult type. Last evaluated: 2017-05-02. Review status: criteria provided, single submitter. Criteria: Athena Diagnostics Criteria. Collection method: clinical testing. Allele origin: germline.

Breakthrough Genomics
Classification: Benign. Review status: criteria provided, single submitter. Criteria: ACMG Guidelines, 2015. Collection method: not provided. Allele origin: germline. Inheritance: Autosomal dominant inheritance. Affected: yes.

PreventionGenetics, part of Exact Sciences
Classification: Benign. Review status: criteria provided, single submitter. Criteria: ACMG Guidelines, 2015. Collection method: clinical testing. Allele origin: germline.

Department of Pathology and Laboratory Medicine, Sinai Health System
Classification: Benign for Polycystic Kidney disease. Review status: no assertion criteria provided. Collection method: clinical testing. Allele origin: unknown. Affected: yes. Study: The Canadian Open Genetics Repository (COGR). Not counted in ClinVar's aggregate classification.
Comment: The PKD1 p.Ala341Ala variant was identified in 36 of 1504 proband chromosomes (frequency: 0.024) from French, Australian, Dutch, British, and American individuals or families with ADPKD (Bataille 22008521, McCluskey 2002, Peters 2001, Rossetti 2001, Tan 2009, Rossetti 2012). The variant was identified in dbSNP (ID: rs11643513) as â€šÃ„ÃºNAâ€šÃ„Ã¹, ADPKD Mutation Database (classification likely neutral), but was not in Clinvitae, ClinVar, GeneInsight COGR, MutDB, PKD1-LOVD, and PKD1-LOVD 3.0. This variant was identified in the 1000 Genomes Project in 130 of 5000 chromosomes (frequency: 0.026), HAPMAP populations: AMR in 66 of 694 chromosomes (frequency: 0.0951) and EUR in 53 of 1006 chromosomes (frequency: 0.0527)/-SAS in 9 or 978 chromosomes (frequency: 0.0092), and in the Exome Aggregation Consortium database (March 14, 2016) in all populations except East Asian: European (Finnish) in 2 of 8 chromosomes (frequency: 0.25), Latino in 18 of 154 chromosomes (frequency: 0.1169), Other in 6 of 120 chromosomes (frequency: 0.05), European (Non-Finnish) in 132 of 2930 chromosomes (frequency: 0.0461), South Asian in 109 of 6226 chromosomes (frequency: 0.0174) and African in 5 of 436 chromosomes (frequency: 0.0115), increasing the likelihood this could be a low frequency benign variant. However we are not able to rule out that variant data from control databases is specific to PKD1 and not from one of the six PKD1 pseudogenes. The p.Ala341Ala variant is not expected to have clinical significance because it does not result in a change of amino acid and is not located in a known consensus splice site. In addition, in silico or computational prediction software programs (SpliceSiteFinder, MaxEntScan, NNSPLICE, GeneSplicer, HumanSpliceFinder) do not predict a difference in splicing. The variant occurs outside of the splicing consensus sequence and in silico or computational prediction software programs (SpliceSiteFinder, MaxEntScan, NNSPLICE, GeneSplicer, HumanSpliceFinder) do not predict a difference in splicing. In summary, based on the above information, this variant meets our laboratory criteria to be classified as benign.

Joint Genome Diagnostic Labs from Nijmegen and Maastricht, Radboudumc and MUMC+
Classification: Benign. Review status: no assertion criteria provided. Collection method: clinical testing. Allele origin: germline. Affected: yes. Study: VKGL Data-share Consensus. Not counted in ClinVar's aggregate classification.

Laboratory of Diagnostic Genome Analysis, Leiden University Medical Center (LUMC)
Classification: Likely benign. Review status: no assertion criteria provided. Collection method: clinical testing. Allele origin: germline. Affected: yes. Study: VKGL Data-share Consensus. Not counted in ClinVar's aggregate classification.

Literature cited by the submitters: PubMed 24374109 (cited by Athena Diagnostics); PubMed 10364515 (cited by Athena Diagnostics); PubMed 11840199 (cited by Athena Diagnostics); PubMed 22008521 (cited by Athena Diagnostics); PubMed 11857740 (cited by Athena Diagnostics); PubMed 15772804 (cited by Athena Diagnostics).

NM_001009944.3(PKD1):c.1023C>T (p.Ala341=)

Gene: PKD1 (polycystin 1, transient receptor potential channel interacting; minus strand). Cytogenetic location: 16p13.3.
Variant type: single nucleotide variant.
Coding change: c.1023C>T on transcript NM_001009944.3 (MANE Select); coding-DNA position 1023, C replaced by T.
Protein change: p.Ala341=; no amino-acid change (alanine 341 retained).
Molecular consequence: synonymous variant.
Genome position (GRCh38, 1-based): chr16:2,117,969, G>A on the plus strand (C>T on the coding strand, the complement: PKD1 is on the minus strand). VCF-style: chr16-2117969-G-A. GRCh37 (hg19) VCF-style: chr16-2167970-G-A.
Other names: p.Ala341=; c.1023C>T, p.Ala341= (NM_000296.4).
Identifiers: ClinVar variation 256887 (VCV000256887.23), dbSNP rs11643513, ClinGen allele CA7833601.